The following is an entry in ClinVar:

NM_003072.5(SMARCA4):c.4394T>C (p.Ile1465Thr)

Gene: SMARCA4 (SWI/SNF related BAF chromatin remodeling complex subunit ATPase 4; plus strand). Cytogenetic location: 19p13.2.
Variant type: single nucleotide variant.
Coding change: c.4394T>C on transcript NM_003072.5 (MANE Select); coding-DNA position 4394, T replaced by C.
Protein change: p.Ile1465Thr; replaces isoleucine 1465 with threonine.
Molecular consequence: missense variant. On other transcripts: non-coding transcript variant (1).
Genome position (GRCh38, 1-based): chr19:11,041,530, T>C. VCF-style: chr19-11041530-T-C. GRCh37 (hg19) VCF-style: chr19-11152206-T-C.
Other names: c.4394T>C, p.Ile1465Thr (NM_001128844.3); c.4304T>C, p.Ile1435Thr (NM_001128845.2, NM_001128846.2); c.4295T>C, p.Ile1432Thr (NM_001128847.4, NM_001128848.2, NM_001374457.1); c.4490T>C, p.Ile1497Thr (NM_001128849.3, NM_001387283.1); short protein forms I1497T, I1432T, I1435T, I1465T.
Identifiers: ClinVar variation 480563 (VCV000480563.17), dbSNP rs1377505488, ClinGen allele CA404074132.
Genomic context (GRCh38, chr19:11,041,530, plus strand): 5'-GGCCGCCTGCCGAGAAACTCTCCCCTAACCCACCCAACCTCACCAAGAAGATGAAGAAGA[T>C]TGTGGATGCCGTGATCAAGTACAAGGACAGGTAAGCGAGGAGGCGGGGAGGGCGGGGGCT-3'
Protein context (NP_003063.2, residues 1455-1475): PPNLTKKMKK[Ile1465Thr]VDAVIKYKDS

ClinVar aggregate classification (germline): Conflicting classifications of pathogenicity. Review status: criteria provided, conflicting classifications (1 of 4 stars). 6 submissions from 6 submitters: Uncertain significance (5); Likely benign (1). Last evaluated 2025-12-26.

Conditions:
Hereditary cancer-predisposing syndrome. Also called: Hereditary Cancer Syndrome; Neoplastic Syndromes, Hereditary; Tumor predisposition; Hereditary neoplastic syndrome. Identifiers: Orphanet 140162, MedGen C0027672, MeSH D009386, MONDO:0015356.
SMARCA4-related disorder. Also called: SMARCA4-related condition.
Rhabdoid tumor predisposition syndrome 2 (RTPS2). Identifiers: Orphanet 231108, Orphanet 69077, MedGen C2750074, MONDO:0013224, OMIM 613325.
Intellectual disability, autosomal dominant 16 (CSS4). Also called: COFFIN-SIRIS SYNDROME 4. Identifiers: Orphanet 1465, MedGen C3553249, MONDO:0013821, OMIM 614609.

Allele frequency attached by ClinVar (database versions not stated): gnomAD exomes below 0.00001.
gnomAD v4.1: 1 of 1,610,248 alleles (0.000062%); highest among the groups gnomAD compares: Non-Finnish European, 0.000085%; no homozygotes.

Submissions (6):

Labcorp Genetics (formerly Invitae), Labcorp
Classification: Uncertain significance for Rhabdoid tumor predisposition syndrome 2. Last evaluated: 2025-12-26. Review status: criteria provided, single submitter. Criteria: Invitae Variant Classification Sherloc (09022015). Collection method: clinical testing. Allele origin: germline.
Comment: This sequence change replaces isoleucine, which is neutral and non-polar, with threonine, which is neutral and polar, at codon 1497 of the SMARCA4 protein (p.Ile1497Thr). This variant is present in population databases (no rsID available, gnomAD 0.0009%). This variant has not been reported in the literature in individuals affected with SMARCA4-related conditions. ClinVar contains an entry for this variant (Variation ID: 480563). Invitae Evidence Modeling of protein sequence and biophysical properties (such as structural, functional, and spatial information, amino acid conservation, physicochemical variation, residue mobility, and thermodynamic stability) has been performed for this missense variant. However, the output from this modeling did not meet the statistical confidence thresholds required to predict the impact of this variant on SMARCA4 protein function. In summary, the available evidence is currently insufficient to determine the role of this variant in disease. Therefore, it has been classified as a Variant of Uncertain Significance.

GeneDx
Classification: Uncertain significance. Last evaluated: 2025-03-13. Review status: criteria provided, single submitter. Criteria: GeneDx Variant Classification Process June 2021. Collection method: clinical testing. Allele origin: germline. Affected: yes.
Comment: In silico analysis supports that this missense variant has a deleterious effect on protein structure/function; Has not been previously published as pathogenic or benign to our knowledge; This variant is associated with the following publications: (PMID: 24658002)

Baylor Genetics
Classification: Uncertain significance for Rhabdoid tumor predisposition syndrome 2. Last evaluated: 2023-05-17. Review status: criteria provided, single submitter. Criteria: ACMG Guidelines, 2015. Collection method: clinical testing. Allele origin: unknown.

PreventionGenetics, part of Exact Sciences
Classification: Uncertain significance for SMARCA4-related condition. Last evaluated: 2022-12-08. Review status: criteria provided, single submitter. Criteria: ACMG Guidelines, 2015. Collection method: clinical testing. Allele origin: germline.
Comment: The SMARCA4 c.4490T>C variant is predicted to result in the amino acid substitution p.Ile1497Thr. To our knowledge, this variant has not been reported in the literature. This variant is reported in 0.00089% of alleles in individuals of European (Non-Finnish) descent in gnomAD. At this time, the clinical significance of this variant is uncertain due to the absence of conclusive functional and genetic evidence.

Ambry Genetics
Classification: Likely benign for Hereditary cancer-predisposing syndrome. Last evaluated: 2022-09-26. Review status: criteria provided, single submitter. Criteria: Ambry Variant Classification Scheme 2023. Collection method: clinical testing. Allele origin: germline.

Genome-Nilou Lab
Classification: Uncertain significance for Intellectual disability, autosomal dominant 16. Last evaluated: 2021-07-15. Review status: criteria provided, single submitter. Criteria: ACMG Guidelines, 2015. Collection method: clinical testing. Allele origin: germline. Affected: no.